The following is an entry in ClinVar:

ClinVar aggregate classification (germline): Conflicting classifications of pathogenicity. Review status: criteria provided, conflicting classifications (1 of 4 stars). 4 submissions from 4 submitters: Uncertain significance (3); Likely benign (1). Last evaluated 2026-01-27.

Conditions:
Atrial septal defect 9 (ASD9). Identifiers: Orphanet 1478, MedGen C3280943, MONDO:0013770, OMIM 614475.
Conotruncal heart malformations (CTHM). Also called: Conotruncal heart malformations, variable. Identifiers: Orphanet 2445, Orphanet 3384, Orphanet 3426, MedGen C1857586, MONDO:0016581, OMIM 217095.
Heart defects, congenital, and other congenital anomalies. Also called: PANCREATIC HYPOPLASIA, CONGENITAL, WITH DIABETES MELLITUS AND CONGENITAL HEART DISEASE; Pancreatic hypoplasia-diabetes-congenital heart disease syndrome. Identifiers: Orphanet 2255, MedGen C2931296, MONDO:0010802, OMIM 600001.
Tetralogy of Fallot (TOF). Identifiers: Orphanet 3303, MedGen C0039685, MONDO:0008542, OMIM 187500, HP:0001636.
Atrioventricular septal defect 5 (AVSD5). Identifiers: MedGen C3280939, MONDO:0013769, OMIM 614474.

Allele frequency attached by ClinVar (database versions not stated): TOPMed 0.00028; gnomAD 0.00021 and 0.00022.
gnomAD v4.1: 704 of 1,221,380 alleles (0.058%); highest among the groups gnomAD compares: Non-Finnish European, 0.07%; no homozygotes.

Submissions (4):

Labcorp Genetics (formerly Invitae), Labcorp
Classification: Uncertain significance for Atrioventricular septal defect 5. Last evaluated: 2026-01-27. Review status: criteria provided, single submitter. Criteria: Invitae Variant Classification Sherloc (09022015). Collection method: clinical testing. Allele origin: germline.
Comment: This sequence change replaces glycine, which is neutral and non-polar, with alanine, which is neutral and non-polar, at codon 280 of the GATA6 protein (p.Gly280Ala). This variant is present in population databases (no rsID available, gnomAD 0.01%). This variant has not been reported in the literature in individuals affected with GATA6-related conditions. ClinVar contains an entry for this variant (Variation ID: 540131). Invitae Evidence Modeling of protein sequence and biophysical properties (such as structural, functional, and spatial information, amino acid conservation, physicochemical variation, residue mobility, and thermodynamic stability) indicates that this missense variant is not expected to disrupt GATA6 protein function with a negative predictive value of 80%. In summary, the available evidence is currently insufficient to determine the role of this variant in disease. Therefore, it has been classified as a Variant of Uncertain Significance.

GeneDx
Classification: Uncertain significance. Last evaluated: 2025-07-01. Review status: criteria provided, single submitter. Criteria: GeneDx Variant Classification Process June 2021. Collection method: clinical testing. Allele origin: germline. Affected: yes.
Comment: Has not been previously published as pathogenic or benign to our knowledge; In silico analysis suggests that this missense variant does not alter protein structure/function

Blueprint Genetics
Classification: Likely benign. Last evaluated: 2023-12-21. Review status: criteria provided, single submitter. Criteria: ACMG Guidelines, 2015. Collection method: clinical testing. Allele origin: germline.

Fulgent Genetics
Classification: Uncertain significance for Tetralogy of Fallot; Conotruncal heart malformations; Heart defects, congenital, and other congenital anomalies; Atrioventricular septal defect 5; Atrial septal defect 9. Last evaluated: 2018-10-31. Review status: criteria provided, single submitter. Criteria: ACMG Guidelines, 2015. Collection method: clinical testing. Allele origin: unknown.

NM_005257.6(GATA6):c.839G>C (p.Gly280Ala)

Gene: GATA6 (GATA binding protein 6; plus strand). Cytogenetic location: 18q11.2.
Variant type: single nucleotide variant.
Coding change: c.839G>C on transcript NM_005257.6 (MANE Select); coding-DNA position 839, G replaced by C.
Protein change: p.Gly280Ala; replaces glycine 280 with alanine.
Molecular consequence: missense variant.
Genome position (GRCh38, 1-based): chr18:22,171,983, G>C. VCF-style: chr18-22171983-G-C. GRCh37 (hg19) VCF-style: chr18-19751944-G-C.
Other names: c.839G>C (NM_005257.4); short protein forms G280A.
Identifiers: ClinVar variation 540131 (VCV000540131.14), dbSNP rs904519303, ClinGen allele CA297147948.
Genomic context (GRCh38, chr18:22,171,983, plus strand): 5'-CGGCGCGCTTCCCCTACTCTCCCAGCCCGCCCATGGCCAACGGCGCCGCGCGGGAGCCGG[G>C]AGGCTACGCGGCGGCGGGCAGTGGGGGCGCGGGAGGCGTGAGCGGCGGCGGCAGTAGCCT-3'
Protein context (NP_005248.2, residues 270-290): PMANGAAREP[Gly280Ala]GYAAAGSGGA